The following is an entry in ClinVar:

NM_001851.6(COL9A1):c.1253G>A (p.Gly418Asp)

Gene: COL9A1 (collagen type IX alpha 1 chain; minus strand). Cytogenetic location: 6q13.
Variant type: single nucleotide variant.
Coding change: c.1253G>A on transcript NM_001851.6 (MANE Select); coding-DNA position 1253, G replaced by A.
Protein change: p.Gly418Asp; replaces glycine 418 with aspartic acid.
Molecular consequence: missense variant. On other transcripts: non-coding transcript variant (1).
Genome position (GRCh38, 1-based): chr6:70,268,838, C>T on the plus strand (G>A on the coding strand, the complement: COL9A1 is on the minus strand). VCF-style: chr6-70268838-C-T. GRCh37 (hg19) VCF-style: chr6-70978541-C-T.
Other names: c.524G>A, p.Gly175Asp (NM_001377289.1, NM_001377290.1, NM_078485.4); short protein forms G175D, G418D.
Identifiers: ClinVar variation 4884937 (VCV004884937.2).

ClinVar aggregate classification (germline): Uncertain significance (1 of 4 stars; one submission).

Submission:

Dasa
Classification: Uncertain significance. Last evaluated: 2025-11-24. Review status: criteria provided, single submitter. Criteria: DASA Assertion Criteria. Collection method: clinical testing. Allele origin: germline.
Comment: NM_001851.6(COL9A1):c.1253G>A (p.Gly418Asp) is a missense variant that results in the substitution of glycine with aspartic acid. This variant is absent from population databases. Computational prediction algorithms are consistent with a deleterious effect. The currently available literature and clinical evidence are not sufficient to establish a definitive association between this variant and the reported condition. Therefore, this variant is classified as a variant of uncertain significance.